The following is an entry in ClinVar:

NM_014297.5(ETHE1):c.551C>A (p.Thr184Lys)

Gene: ETHE1 (ETHE1 persulfide dioxygenase; minus strand). Cytogenetic location: 19q13.31.
Variant type: single nucleotide variant.
Coding change: c.551C>A on transcript NM_014297.5 (MANE Select); coding-DNA position 551, C replaced by A.
Protein change: p.Thr184Lys; replaces threonine 184 with lysine.
Molecular consequence: missense variant.
Genome position (GRCh38, 1-based): chr19:43,508,819, G>T on the plus strand (C>A on the coding strand, the complement: ETHE1 is on the minus strand). VCF-style: chr19-43508819-G-T. GRCh37 (hg19) VCF-style: chr19-44012971-G-T.
Other names: c.518C>A, p.Thr173Lys (NM_001320867.2); c.182C>A, p.Thr61Lys (NM_001320868.2); c.257C>A, p.Thr86Lys (NM_001320869.2); short protein forms T86K, T173K, T184K, T61K.
Identifiers: ClinVar variation 2168329 (VCV002168329.1), dbSNP rs377420663, ClinGen allele CA9487825.

ClinVar aggregate classification (germline): Uncertain significance (1 of 4 stars; one submission).

Conditions:
Ethylmalonic encephalopathy (EE). Also called: EPEMA syndrome; Encephalopathy, petechiae, and ethylmalonic aciduria; Syndrome of encephalopathy, petechiae, and ethylmalonic aciduria. Identifiers: Orphanet 51188, MedGen C1865349, MONDO:0011229, OMIM 602473. Disease mechanism: loss of function.

Allele frequency attached by ClinVar (database versions not stated): gnomAD exomes 0.00001; TOPMed 0.00001; ExAC 0.00005; ESP Exome Variant Server 0.00008.
gnomAD v4.1: 9 of 1,609,058 alleles (0.00056%); highest among the groups gnomAD compares: Non-Finnish European, 0.00076%; no homozygotes.

Submission:

Labcorp Genetics (formerly Invitae), Labcorp
Classification: Uncertain significance for Ethylmalonic encephalopathy. Last evaluated: 2022-07-06. Review status: criteria provided, single submitter. Criteria: Invitae Variant Classification Sherloc (09022015). Collection method: clinical testing. Allele origin: germline.
Comment: This sequence change replaces threonine, which is neutral and polar, with lysine, which is basic and polar, at codon 184 of the ETHE1 protein (p.Thr184Lys). This variant is present in population databases (rs377420663, gnomAD 0.003%). This variant has not been reported in the literature in individuals affected with ETHE1-related conditions. Algorithms developed to predict the effect of missense changes on protein structure and function are either unavailable or do not agree on the potential impact of this missense change (SIFT: "Deleterious"; PolyPhen-2: "Benign"; Align-GVGD: "Class C0"). In summary, the available evidence is currently insufficient to determine the role of this variant in disease. Therefore, it has been classified as a Variant of Uncertain Significance.